The following is an entry in ClinVar:

NM_033028.5(BBS4):c.180A>G (p.Gln60=)

Gene: BBS4 (Bardet-Biedl syndrome 4; plus strand). Cytogenetic location: 15q24.1.
Variant type: single nucleotide variant.
Coding change: c.180A>G on transcript NM_033028.5 (MANE Select); coding-DNA position 180, A replaced by G.
Protein change: p.Gln60=; no amino-acid change (glutamine 60 retained).
Molecular consequence: synonymous variant. On other transcripts: 5 prime UTR variant (1), non-coding transcript variant (2).
Genome position (GRCh38, 1-based): chr15:72,712,267, A>G. VCF-style: chr15-72712267-A-G. GRCh37 (hg19) VCF-style: chr15-73004608-A-G.
Other names: p.Gln60=; c.-342A>G (NM_001252678.2); c.180A>G, p.Gln60= (NM_001320665.2).
Identifiers: ClinVar variation 434494 (VCV000434494.22), dbSNP rs114434361, ClinGen allele CA7646532.
Genomic context (GRCh38, chr15:72,712,267, plus strand): 5'-TAACCACTGCTCAGAAGCATTTTTCTCCCTCTTTCAGGCTGTTATCAAAGAACAGCTTCA[A>G]GAGACTCAGGGATTGTGTGAATATGCTATCTATGTCCAAGGTAAGACACATACTTCTTGT-3'
Protein context (NP_149017.2, residues 50-70): ACKAVIKEQL[Gln60=]ETQGLCEYAI

ClinVar aggregate classification (germline): Benign. Review status: criteria provided, multiple submitters, no conflicts (2 of 4 stars). 5 submissions from 5 submitters: Benign (5). Last evaluated 2026-02-03.

Conditions:
Bardet-Biedl syndrome 4 (BBS4). Identifiers: Orphanet 110, MedGen C2936864, MONDO:0014433, OMIM 615982.
Bardet-Biedl syndrome (BBS). Identifiers: Orphanet 110, MedGen C0752166, MONDO:0015229.

Allele frequency attached by ClinVar (database versions not stated): gnomAD exomes 0.00074 and 0.00210; ExAC 0.00261; gnomAD 0.00798 and 0.00852; 1000 Genomes Project 0.00839; ESP Exome Variant Server 0.00878; TOPMed 0.00902; 1000 Genomes Project 30x 0.00906.
gnomAD v4.1: 2,352 of 1,614,122 alleles (0.15%); highest among the groups gnomAD compares: African/African-American, 2.8%; 30 homozygotes.

Submissions (5):

Labcorp Genetics (formerly Invitae), Labcorp
Classification: Benign for Bardet-Biedl syndrome. Last evaluated: 2026-02-03. Review status: criteria provided, single submitter. Criteria: Invitae Variant Classification Sherloc (09022015). Collection method: clinical testing. Allele origin: germline.

Mayo Clinic Laboratories, Mayo Clinic
Classification: Benign. Last evaluated: 2025-10-15. Review status: criteria provided, single submitter. Criteria: ACMG Guidelines, 2015. Collection method: clinical testing. Allele origin: germline. Observed: 1 variant allele.
Comment: BS1, BS2, BP4, BP7

Genetic Services Laboratory, University of Chicago
Classification: Benign. Last evaluated: 2021-08-24. Review status: criteria provided, single submitter. Criteria: ACMG Guidelines, 2015. Collection method: clinical testing. Allele origin: germline. Affected: no.

Illumina Laboratory Services, Illumina
Classification: Benign for Bardet-Biedl syndrome 4. Last evaluated: 2018-01-12. Review status: criteria provided, single submitter. Criteria: ICSL Variant Classification Criteria 13 December 2019. Collection method: clinical testing. Allele origin: germline.
Comment: This variant was observed in the ICSL laboratory as part of a predisposition screen in an ostensibly healthy population. It had not been previously curated by ICSL or reported in the Human Gene Mutation Database (HGMD: prior to June 1st, 2018), and was therefore a candidate for classification through an automated scoring system. Utilizing variant allele frequency, disease prevalence and penetrance estimates, and inheritance mode, an automated score was calculated to assess if this variant is too frequent to cause the disease. Based on the score and internal cut-off values, a variant classified as benign is not then subjected to further curation. The score for this variant resulted in a classification of benign for this disease.

Breakthrough Genomics
Classification: Benign. Review status: criteria provided, single submitter. Criteria: ACMG Guidelines, 2015. Collection method: not provided. Allele origin: germline. Inheritance: Autosomal recessive inheritance. Affected: yes.